The following is an entry in ClinVar:

ClinVar aggregate classification (germline): Pathogenic (1 of 4 stars; one submission).

Conditions:
X-linked Emery-Dreifuss muscular dystrophy. Also called: Muscular dystrophy, tardive Emery-Dreifuss type, with contractures. Identifiers: Orphanet 261, Orphanet 98863, MedGen C0751337, MONDO:0010680.

Submission:

Labcorp Genetics (formerly Invitae), Labcorp
Classification: Pathogenic for X-linked Emery-Dreifuss muscular dystrophy. Last evaluated: 2022-07-26. Review status: criteria provided, single submitter. Criteria: Invitae Variant Classification Sherloc (09022015). Collection method: clinical testing. Allele origin: germline.
Comment: This variant disrupts a region of the EMD protein in which other variant(s) (p.Pro208Leufs*29, p.Trp226*) have been determined to be pathogenic (PMID: 8589715, 8595407, 9195226, 15967842). This suggests that this is a clinically significant region of the protein, and that variants that disrupt it are likely to be disease-causing. For these reasons, this variant has been classified as Pathogenic. ClinVar contains an entry for this variant (Variation ID: 942643). This premature translational stop signal has been observed in individual(s) with Emery-Dreifuss muscular dystrophy (PMID: 18646565, 21520333, 33124102). This variant is not present in population databases (gnomAD no frequency). This sequence change creates a premature translational stop signal (p.Arg207Glyfs*30) in the EMD gene. While this is not anticipated to result in nonsense mediated decay, it is expected to disrupt the last 48 amino acid(s) of the EMD protein.

Literature cited by the submitters: PubMed 8589715; PubMed 8595407; PubMed 9195226; PubMed 15967842; PubMed 18646565; PubMed 21520333; PubMed 33124102.

NM_000117.3(EMD):c.619del (p.Arg207fs)

Gene: EMD (emerin; plus strand). Cytogenetic location: Xq28.
Variant type: Deletion.
Coding change: c.619del on transcript NM_000117.3 (MANE Select); coding-DNA position 619, one base deleted (C; older notation c.619delC).
Protein change: p.Arg207fs; shifts the reading frame from arginine 207.
Molecular consequence: frameshift variant.
Genome position (GRCh38, 1-based): chrX:154,381,051, C deleted; the last of 2 consecutive C bases (chrX:154,381,050-154,381,051); deleting either gives the same sequence. VCF-style (leftmost placement, unchanged base first): chrX-154381049-TC-T. GRCh37 (hg19) VCF-style: chrX-153609409-TC-T.
Other names: short protein forms R207fs.
Identifiers: ClinVar variation 942643 (VCV000942643.10), dbSNP rs2067885544, ClinGen allele CA1139667853.